The following is an entry in ClinVar:

ClinVar aggregate classification (germline): Uncertain significance. Review status: criteria provided, multiple submitters, no conflicts (2 of 4 stars). 3 submissions from 3 submitters: Uncertain significance (3). Last evaluated 2025-09-22.

Conditions:
Hereditary cancer-predisposing syndrome. Also called: Hereditary neoplastic syndrome; Hereditary Cancer Syndrome; Neoplastic Syndromes, Hereditary; Tumor predisposition. Identifiers: Orphanet 140162, MedGen C0027672, MeSH D009386, MONDO:0015356.
Ataxia-telangiectasia syndrome (AT). Also called: Ataxia-telangiectasia, complementation group D; Cerebello-oculocutaneous telangiectasia; Immunodeficiency with ataxia telangiectasia; ATAXIA-TELANGIECTASIA, COMPLEMENTATION GROUP A; ATAXIA-TELANGIECTASIA, FRESNO VARIANT; LOUIS-BAR SYNDROME. Identifiers: Orphanet 100, MedGen C0004135, MONDO:0008840, OMIM 208900.

Allele frequency attached by ClinVar (database versions not stated): gnomAD exomes below 0.00001.
gnomAD v4.1: 2 of 1,614,098 alleles (0.00012%); highest among the groups gnomAD compares: Non-Finnish European, 0.00017%; no homozygotes.

Submissions (3):

Labcorp Genetics (formerly Invitae), Labcorp
Classification: Uncertain significance for Ataxia-telangiectasia syndrome. Last evaluated: 2025-09-22. Review status: criteria provided, single submitter. Criteria: Invitae Variant Classification Sherloc (09022015). Collection method: clinical testing. Allele origin: germline.
Comment: This sequence change replaces glutamine, which is neutral and polar, with histidine, which is basic and polar, at codon 1015 of the ATM protein (p.Gln1015His). This variant is not present in population databases (gnomAD no frequency). This variant has not been reported in the literature in individuals affected with ATM-related conditions. ClinVar contains an entry for this variant (Variation ID: 423404). Invitae Evidence Modeling of protein sequence and biophysical properties (such as structural, functional, and spatial information, amino acid conservation, physicochemical variation, residue mobility, and thermodynamic stability) indicates that this missense variant is not expected to disrupt ATM protein function with a negative predictive value of 95%. In summary, the available evidence is currently insufficient to determine the role of this variant in disease. Therefore, it has been classified as a Variant of Uncertain Significance.

Ambry Genetics
Classification: Uncertain significance for Hereditary cancer-predisposing syndrome. Last evaluated: 2024-12-17. Review status: criteria provided, single submitter. Criteria: Ambry Variant Classification Scheme 2023. Collection method: clinical testing. Allele origin: germline.
Comment: The p.Q1015H variant (also known as c.3045A>C), located in coding exon 19 of the ATM gene, results from an A to C substitution at nucleotide position 3045. The glutamine at codon 1015 is replaced by histidine, an amino acid with highly similar properties. This amino acid position is well conserved in available vertebrate species. In addition, the in silico prediction for this alteration is inconclusive. Based on the available evidence, the clinical significance of this variant remains unclear.

GeneDx
Classification: Uncertain significance. Last evaluated: 2017-02-03. Review status: criteria provided, single submitter. Criteria: GeneDx Variant Classification (06012015). Collection method: clinical testing. Allele origin: germline. Affected: yes.
Comment: This variant is denoted ATM c.3045A>C at the cDNA level, p.Gln1015His (Q1015H) at the protein level, and results in the change of a Glutamine to a Histidine (CAA>CAC). This variant has not, to our knowledge, been published in the literature as pathogenic or benign. ATM Gln1015His was not observed in approximately 6,500 individuals of European and African American ancestry in the NHLBI Exome Sequencing Project, suggesting it is not a common benign variant in these populations. Since Glutamine and Histidine differ in some properties, this is considered a semi-conservative amino acid substitution. ATM Gln1015His occurs at a position that is conserved in mammals and is located in the region of interaction with beta-adaptin (Tavtigian 2009). In silico analyses are inconsistent regarding the effect this variant may have on protein structure and function. Based on currently available evidence, it is unclear whether ATM Gln1015His is a pathogenic or benign variant. We consider it to be a variant of uncertain significance.

NM_000051.4(ATM):c.3045A>C (p.Gln1015His)

Gene: ATM (ATM serine/threonine kinase; plus strand). Cytogenetic location: 11q22.3.
Variant type: single nucleotide variant.
Coding change: c.3045A>C on transcript NM_000051.4 (MANE Select); coding-DNA position 3045, A replaced by C.
Protein change: p.Gln1015His; replaces glutamine 1015 with histidine.
Molecular consequence: missense variant.
Genome position (GRCh38, 1-based): chr11:108,271,374, A>C. VCF-style: chr11-108271374-A-C. GRCh37 (hg19) VCF-style: chr11-108142101-A-C.
Other names: c.3045A>C, p.Gln1015His (NM_001351834.2); short protein forms Q1015H.
Identifiers: ClinVar variation 423404 (VCV000423404.13), dbSNP rs1064796404, ClinGen allele CA16619153.
Genomic context (GRCh38, chr11:108,271,374, plus strand): 5'-TCATGTAGTGAAAAACCTAGGTCAAAGCAATATGGACTCTGAGAACACAAGGGATGCTCA[A>C]GGACAGTTTCTTACAGTAATTGGAGCATTTTGGTAGGTACAGTCTATTTTGTGGTCCTAT-3'
Protein context (NP_000042.3, residues 1005-1025): NMDSENTRDA[Gln1015His]GQFLTVIGAF